The following is an entry in ClinVar:

NM_000352.6(ABCC8):c.3918C>G (p.Leu1306=)

Gene: ABCC8 (ATP binding cassette subfamily C member 8; minus strand). Cytogenetic location: 11p15.1.
Variant type: single nucleotide variant.
Coding change: c.3918C>G on transcript NM_000352.6 (MANE Select); coding-DNA position 3918, C replaced by G.
Protein change: p.Leu1306=; no amino-acid change (leucine 1306 retained).
Molecular consequence: synonymous variant. On other transcripts: non-coding transcript variant (1).
Genome position (GRCh38, 1-based): chr11:17,397,263, G>C on the plus strand (C>G on the coding strand, the complement: ABCC8 is on the minus strand). VCF-style: chr11-17397263-G-C. GRCh37 (hg19) VCF-style: chr11-17418810-G-C.
Other names: c.3921C>G, p.Leu1307= (NM_001287174.3); c.3984C>G, p.Leu1328= (NM_001351295.2); c.3918C>G, p.Leu1306= (NM_001351296.2); c.3915C>G, p.Leu1305= (NM_001351297.2).
Identifiers: ClinVar variation 765816 (VCV000765816.12), dbSNP rs372186045, ClinGen allele CA5902647.

ClinVar aggregate classification (germline): Benign. Review status: criteria provided, single submitter (1 of 4 stars). 3 submissions from 3 submitters: Benign (1). 2 of the submissions do not count toward it. Last evaluated 2026-01-26.

Conditions:
Hereditary hyperinsulinism.
ABCC8-related disorder.

Allele frequency attached by ClinVar (database versions not stated): gnomAD 0.00003; gnomAD exomes 0.00004 and 0.00016; TOPMed 0.00005; ExAC 0.00018.
gnomAD v4.1: 65 of 1,613,396 alleles (0.004%); highest among the groups gnomAD compares: East Asian, 0.11%; no homozygotes.

Submissions (3):

Labcorp Genetics (formerly Invitae), Labcorp
Classification: Benign. Last evaluated: 2026-01-26. Review status: criteria provided, single submitter. Criteria: Invitae Variant Classification Sherloc (09022015). Collection method: clinical testing. Allele origin: germline.

PreventionGenetics, part of Exact Sciences
Classification: Likely benign for ABCC8-related condition. Last evaluated: 2020-05-11. Review status: no assertion criteria provided. Collection method: clinical testing. Allele origin: germline. Not counted in ClinVar's aggregate classification.
Comment: This variant is classified as likely benign based on ACMG/AMP sequence variant interpretation guidelines (Richards et al. 2015 PMID: 25741868, with internal and published modifications).

Natera, Inc.
Classification: Uncertain significance for Hereditary hyperinsulinism. Last evaluated: 2020-04-10. Review status: no assertion criteria provided. Collection method: clinical testing. Allele origin: germline. Not counted in ClinVar's aggregate classification.